The following is an entry in ClinVar:

NM_052947.4(ALPK2):c.748G>C (p.Asp250His)

Genes: ALPK2 (alpha kinase 2; minus strand), LOC114803473 (ALPK2 eExon liver enhancer; plus strand). Cytogenetic location: 18q21.31.
Variant type: single nucleotide variant.
Coding change: c.748G>C on transcript NM_052947.4 (MANE Select); coding-DNA position 748, G replaced by C.
Protein change: p.Asp250His; replaces aspartic acid 250 with histidine.
Molecular consequence: missense variant.
Genome position (GRCh38, 1-based): chr18:58,580,028, C>G on the plus strand (G>C on the coding strand, the complement: ALPK2 is on the minus strand). VCF-style: chr18-58580028-C-G. GRCh37 (hg19) VCF-style: chr18-56247260-C-G.
Other names: short protein forms D250H.
Identifiers: ClinVar variation 1759150 (VCV001759150.2), dbSNP rs762050119, ClinGen allele CA8977392.

ClinVar aggregate classification (germline): Uncertain significance (1 of 4 stars; one submission).

Allele frequency attached by ClinVar (database versions not stated): TOPMed below 0.00001; ExAC 0.00001.
gnomAD v4.1: 3 of 1,614,254 alleles (0.00019%); highest among the groups gnomAD compares: East Asian, 0.0022%; no homozygotes.

Submission:

Ambry Genetics
Classification: Uncertain significance. Last evaluated: 2024-03-06. Review status: criteria provided, single submitter. Criteria: Ambry Variant Classification Scheme 2023. Collection method: clinical testing. Allele origin: germline.
Comment: The p.D250H variant (also known as c.748G>C), located in coding exon 3 of the ALPK2 gene, results from a G to C substitution at nucleotide position 748. The aspartic acid at codon 250 is replaced by histidine, an amino acid with similar properties. This amino acid position is conserved. In addition, this alteration is predicted to be tolerated by in silico analysis. Since supporting evidence is limited at this time, the clinical significance of this alteration remains unclear.